The following is an entry in ClinVar:

ClinVar aggregate classification (germline): Uncertain significance (1 of 4 stars; one submission).

gnomAD v4.1: 2 of 1,612,604 alleles (0.00012%); highest among the groups gnomAD compares: Non-Finnish European, 0.00017%; no homozygotes.

Submission:

Labcorp Genetics (formerly Invitae), Labcorp
Classification: Uncertain significance. Last evaluated: 2025-09-24. Review status: criteria provided, single submitter. Criteria: Invitae Variant Classification Sherloc (09022015). Collection method: clinical testing. Allele origin: germline.
Comment: This sequence change replaces isoleucine, which is neutral and non-polar, with phenylalanine, which is neutral and non-polar, at codon 496 of the KMT2A protein (p.Ile496Phe). This variant is present in population databases (rs782591851, gnomAD 0.0009%). This variant has not been reported in the literature in individuals affected with KMT2A-related conditions. Invitae Evidence Modeling of protein sequence and biophysical properties (such as structural, functional, and spatial information, amino acid conservation, physicochemical variation, residue mobility, and thermodynamic stability) indicates that this missense variant is not expected to disrupt KMT2A protein function with a negative predictive value of 95%. In summary, the available evidence is currently insufficient to determine the role of this variant in disease. Therefore, it has been classified as a Variant of Uncertain Significance.

NM_001197104.2(KMT2A):c.1486A>T (p.Ile496Phe)

Gene: KMT2A (lysine methyltransferase 2A; plus strand). Cytogenetic location: 11q23.3.
Variant type: single nucleotide variant.
Coding change: c.1486A>T on transcript NM_001197104.2 (MANE Select); coding-DNA position 1486, A replaced by T.
Protein change: p.Ile496Phe; replaces isoleucine 496 with phenylalanine.
Molecular consequence: missense variant.
Genome position (GRCh38, 1-based): chr11:118,472,645, A>T. VCF-style: chr11-118472645-A-T. GRCh37 (hg19) VCF-style: chr11-118343360-A-T.
Other names: c.1585A>T, p.Ile529Phe (NM_001412597.1); c.1486A>T, p.Ile496Phe (NM_005933.4); short protein forms I496F, I529F.
Identifiers: ClinVar variation 4768090 (VCV004768090.1).